The following is an entry in ClinVar:

NM_006662.3(SRCAP):c.9444T>C (p.Ser3148=)

Gene: SRCAP (Snf2 related CREBBP activator protein; plus strand). Cytogenetic location: 16p11.2.
Variant type: single nucleotide variant.
Coding change: c.9444T>C on transcript NM_006662.3 (MANE Select); coding-DNA position 9444, T replaced by C.
Protein change: p.Ser3148=; no amino-acid change (serine 3148 retained).
Molecular consequence: synonymous variant.
Genome position (GRCh38, 1-based): chr16:30,739,484, T>C. VCF-style: chr16-30739484-T-C. GRCh37 (hg19) VCF-style: chr16-30750805-T-C.
Identifiers: ClinVar variation 196909 (VCV000196909.21), dbSNP rs142948420, ClinGen allele CA202631.
Genomic context (GRCh38, chr16:30,739,484, plus strand): 5'-CCCCCCACTAGAGACTGAGAAGTTGCCTCGCAAACGAGCAGGGGCCCCAGTTGGTGGGAG[T>C]CCTGGGCTGGCAAAGCGGGGCCGCCTACAGCCCCCAAGTCCCCTGGGGCCTGAGGGTTCA-3'
Protein context (NP_006653.2, residues 3138-3158): RKRAGAPVGG[Ser3148=]PGLAKRGRLQ

ClinVar aggregate classification (germline): Benign/Likely benign. Review status: criteria provided, multiple submitters, no conflicts (2 of 4 stars). 7 submissions from 7 submitters: Benign (3); Likely benign (4). Last evaluated 2026-05-13.

Conditions:
Floating-Harbor syndrome (FLHS). Also called: Short stature with delayed bone age, expressive language delay, a triangular face with a prominent nose and deep-set eyes; Pelletier-Leisti syndrome; SRCAP-Related Floating-Harbor Syndrome. Identifiers: Orphanet 2044, MedGen C0729582, MONDO:0007621, OMIM 136140.
Developmental delay, hypotonia, musculoskeletal defects, and behavioral abnormalities. Identifiers: MedGen C5562012, MONDO:0859202, OMIM 619595.

Allele frequency attached by ClinVar (database versions not stated): gnomAD exomes 0.00021 and 0.00062; ExAC 0.00086; 1000 Genomes Project 30x 0.00187; gnomAD 0.00202 and 0.00220; 1000 Genomes Project 0.00220; TOPMed 0.00244; ESP Exome Variant Server 0.00269.
gnomAD v4.1: 619 of 1,613,768 alleles (0.038%); highest among the groups gnomAD compares: African/African-American, 0.75%; 3 homozygotes.

Submissions (7):

Women's Health and Genetics/Laboratory Corporation of America, LabCorp
Classification: Likely benign. Last evaluated: 2026-05-13. Review status: criteria provided, single submitter. Criteria: LabCorp Variant Classification Summary - May 2015. Collection method: clinical testing. Allele origin: germline.

CeGaT Center for Human Genetics Tuebingen
Classification: Likely benign. Last evaluated: 2026-03-01. Review status: criteria provided, single submitter. Criteria: CeGaT Center For Human Genetics Tuebingen Variant Classification Criteria Version 2. Collection method: clinical testing. Allele origin: germline. Affected: yes. Observed: 1 variant allele.
Comment: SRCAP: BP4, BP7, BS1

Labcorp Genetics (formerly Invitae), Labcorp
Classification: Benign. Last evaluated: 2026-01-25. Review status: criteria provided, single submitter. Criteria: Invitae Variant Classification Sherloc (09022015). Collection method: clinical testing. Allele origin: germline.

Blueprint Genetics
Classification: Likely benign. Last evaluated: 2024-11-11. Review status: criteria provided, single submitter. Criteria: ACMG Guidelines, 2015. Collection method: clinical testing. Allele origin: germline.

Fulgent Genetics
Classification: Likely benign for Floating-Harbor syndrome; Developmental delay, hypotonia, musculoskeletal defects, and behavioral abnormalities. Last evaluated: 2021-08-09. Review status: criteria provided, single submitter. Criteria: ACMG Guidelines, 2015. Collection method: clinical testing. Allele origin: unknown.

Eurofins Ntd Llc (ga)
Classification: Benign. Last evaluated: 2015-05-26. Review status: criteria provided, single submitter. Criteria: EGL Classification Definitions 2015. Collection method: clinical testing. Allele origin: germline.

Breakthrough Genomics
Classification: Benign. Review status: criteria provided, single submitter. Criteria: ACMG Guidelines, 2015. Collection method: not provided. Allele origin: germline. Inheritance: Autosomal dominant inheritance. Affected: yes.